The following is an entry in ClinVar:

ClinVar aggregate classification (germline): Uncertain significance (0 of 4 stars; one submission).

Conditions:
SH2B1-related disorder. Also called: SH2B1-related condition.

gnomAD v4.1: 7 of 1,613,992 alleles (0.00043%); highest among the groups gnomAD compares: Admixed American, 0.0067%; no homozygotes.

Submission:

PreventionGenetics, part of Exact Sciences
Classification: Uncertain significance for SH2B1-related condition. Last evaluated: 2024-06-10. Review status: no assertion criteria provided. Collection method: clinical testing. Allele origin: germline.
Comment: The SH2B1 c.455G>A variant is predicted to result in the amino acid substitution p.Arg152His. To our knowledge, this variant has not been reported in the literature. This variant is reported in 0.0029% of alleles in individuals of Latino descent in gnomAD. At this time, the clinical significance of this variant is uncertain due to the absence of conclusive functional and genetic evidence.

NM_001387430.1(SH2B1):c.455G>A (p.Arg152His)

Gene: SH2B1 (SH2B adaptor protein 1; plus strand). Cytogenetic location: 16p11.2.
Variant type: single nucleotide variant.
Coding change: c.455G>A on transcript NM_001387430.1 (MANE Select); coding-DNA position 455, G replaced by A.
Protein change: p.Arg152His; replaces arginine 152 with histidine.
Molecular consequence: missense variant. On other transcripts: intron variant (1).
Genome position (GRCh38, 1-based): chr16:28,866,549, G>A. VCF-style: chr16-28866549-G-A. GRCh37 (hg19) VCF-style: chr16-28877870-G-A.
Other names: c.455G>A, p.Arg152His (NM_001145795.2, NM_001145796.2, NM_001145797.2 and 4 more transcripts); c.-26-825G>A (NM_001308294.2); short protein forms R152H.
Identifiers: ClinVar variation 3350526 (VCV003350526.1).